The following is an entry in ClinVar:

NM_004820.5(CYP7B1):c.1456C>A (p.Arg486Ser)

Gene: CYP7B1 (cytochrome P450 family 7 subfamily B member 1; minus strand). Cytogenetic location: 8q12.3.
Variant type: single nucleotide variant.
Coding change: c.1456C>A on transcript NM_004820.5 (MANE Select); coding-DNA position 1456, C replaced by A.
Protein change: p.Arg486Ser; replaces arginine 486 with serine.
Molecular consequence: missense variant. On other transcripts: intron variant (1).
Genome position (GRCh38, 1-based): chr8:64,596,707, G>T on the plus strand (C>A on the coding strand, the complement: CYP7B1 is on the minus strand). VCF-style: chr8-64596707-G-T. GRCh37 (hg19) VCF-style: chr8-65509264-G-T.
Other names: c.1234-6863C>A (NM_001324112.2); short protein forms R486S.
Identifiers: ClinVar variation 426732 (VCV000426732.8), dbSNP rs116171274, ClinGen allele CA371333135.

ClinVar aggregate classification (germline): Uncertain significance. Review status: criteria provided, multiple submitters, no conflicts (2 of 4 stars). 2 submissions from 2 submitters: Uncertain significance (2). Last evaluated 2026-10-13.

Conditions:
Spastic paraplegia. Identifiers: MedGen C0037772, HP:0001258.

Allele frequency attached by ClinVar (database versions not stated): TOPMed 0.00001.

Submissions (2):

GeneDx
Classification: Uncertain significance. Last evaluated: 2026-10-13. Review status: criteria provided, single submitter. Criteria: GeneDx Variant Classification Process June 2021. Collection method: clinical testing. Allele origin: germline.
Comment: In silico analysis supports that this missense variant has a deleterious effect on protein structure/function; Has not been previously published as pathogenic or benign to our knowledge

Labcorp Genetics (formerly Invitae), Labcorp
Classification: Uncertain significance for Spastic paraplegia. Last evaluated: 2021-08-27. Review status: criteria provided, single submitter. Criteria: Invitae Variant Classification Sherloc (09022015). Collection method: clinical testing. Allele origin: germline.
Comment: This sequence change replaces arginine with serine at codon 486 of the CYP7B1 protein (p.Arg486Ser). The arginine residue is moderately conserved and there is a moderate physicochemical difference between arginine and serine. This variant is not present in population databases (ExAC no frequency). This variant has not been reported in the literature in individuals affected with CYP7B1-related conditions. ClinVar contains an entry for this variant (Variation ID: 426732). Algorithms developed to predict the effect of missense changes on protein structure and function are either unavailable or do not agree on the potential impact of this missense change (SIFT: "Deleterious"; PolyPhen-2: "Probably Damaging"; Align-GVGD: "Class C0"). This variant disrupts the p.Arg486 amino acid residue in CYP7B1. Other variant(s) that disrupt this residue have been determined to be pathogenic (PMID: 19439420, 21623769, 23812641, 24117163). This suggests that this residue is clinically significant, and that variants that disrupt this residue are likely to be disease-causing. In summary, the available evidence is currently insufficient to determine the role of this variant in disease. Therefore, it has been classified as a Variant of Uncertain Significance.

Literature cited by the submitters: PubMed 19439420 (cited by Labcorp Genetics (formerly Invitae), Labcorp); PubMed 21623769 (cited by Labcorp Genetics (formerly Invitae), Labcorp); PubMed 23812641 (cited by Labcorp Genetics (formerly Invitae), Labcorp); PubMed 24117163 (cited by Labcorp Genetics (formerly Invitae), Labcorp).